The following is an entry in ClinVar:

NM_001164277.2(SLC37A4):c.158C>T (p.Thr53Ile)

Gene: SLC37A4 (solute carrier family 37 member 4; minus strand). Cytogenetic location: 11q23.3.
Variant type: single nucleotide variant.
Coding change: c.158C>T on transcript NM_001164277.2 (MANE Select); coding-DNA position 158, C replaced by T.
Protein change: p.Thr53Ile; replaces threonine 53 with isoleucine.
Molecular consequence: missense variant. On other transcripts: 5 prime UTR variant (1).
Genome position (GRCh38, 1-based): chr11:119,028,417, G>A on the plus strand (C>T on the coding strand, the complement: SLC37A4 is on the minus strand). VCF-style: chr11-119028417-G-A. GRCh37 (hg19) VCF-style: chr11-118899127-G-A.
Other names: c.158C>T, p.Thr53Ile (NM_001164278.2, NM_001164280.2, NM_001467.6); c.-62C>T (NM_001164279.2); short protein forms T53I.
Identifiers: ClinVar variation 552392 (VCV000552392.4), dbSNP rs953252068, ClinGen allele CA229600037.

ClinVar aggregate classification (germline): Uncertain significance. Review status: criteria provided, single submitter (1 of 4 stars). 2 submissions from 2 submitters: Uncertain significance (1). 1 of the submissions does not count toward it. Last evaluated 2024-11-05.

Conditions:
Glucose-6-phosphate transport defect (GSD1B). Also called: Glycogen Storage Disease Type Ib; GSD Ib. Identifiers: Orphanet 364, Orphanet 79259, MedGen C0268146, MONDO:0009288, OMIM 232220.

Allele frequency attached by ClinVar (database versions not stated): gnomAD exomes below 0.00001; TOPMed 0.00001; gnomAD 0.00002.

Submissions (2):

Labcorp Genetics (formerly Invitae), Labcorp
Classification: Uncertain significance for Glucose-6-phosphate transport defect. Last evaluated: 2024-11-05. Review status: criteria provided, single submitter. Criteria: Invitae Variant Classification Sherloc (09022015). Collection method: clinical testing. Allele origin: germline.
Comment: This sequence change replaces threonine, which is neutral and polar, with isoleucine, which is neutral and non-polar, at codon 53 of the SLC37A4 protein (p.Thr53Ile). This variant is present in population databases (no rsID available, gnomAD 0.01%). This variant has not been reported in the literature in individuals affected with SLC37A4-related conditions. ClinVar contains an entry for this variant (Variation ID: 552392). Invitae Evidence Modeling of protein sequence and biophysical properties (such as structural, functional, and spatial information, amino acid conservation, physicochemical variation, residue mobility, and thermodynamic stability) indicates that this missense variant is not expected to disrupt SLC37A4 protein function with a negative predictive value of 80%. In summary, the available evidence is currently insufficient to determine the role of this variant in disease. Therefore, it has been classified as a Variant of Uncertain Significance.

Counsyl
Classification: Uncertain significance for Glucose-6-phosphate transport defect. Last evaluated: 2017-06-19. Review status: no assertion criteria provided. Collection method: clinical testing. Allele origin: unknown. Not counted in ClinVar's aggregate classification.